The following is an entry in ClinVar:

ClinVar aggregate classification (germline): Uncertain significance (1 of 4 stars; one submission).

Conditions:
Autosomal dominant hypocalcemia 1 (HYPOC1). Also called: HYPOCALCEMIA, FAMILIAL. Identifiers: MedGen C3715128, MONDO:0011013, OMIM 601198.
Familial hypocalciuric hypercalcemia (FHH). Also called: Familial benign hypercalcemia. Identifiers: Orphanet 405, MedGen C1809471, MONDO:0018458.

Submission:

Labcorp Genetics (formerly Invitae), Labcorp
Classification: Uncertain significance for Familial hypocalciuric hypercalcemia; Autosomal dominant hypocalcemia 1. Last evaluated: 2025-05-15. Review status: criteria provided, single submitter. Criteria: Invitae Variant Classification Sherloc (09022015). Collection method: clinical testing. Allele origin: germline.
Comment: This sequence change affects an acceptor splice site in intron 6 of the CASR gene. While this variant is not anticipated to result in nonsense mediated decay, it likely alters RNA splicing and results in a disrupted protein product. This variant is not present in population databases (gnomAD no frequency). This variant has not been reported in the literature in individuals affected with CASR-related conditions. Variants that disrupt the consensus splice site are a relatively common cause of aberrant splicing (PMID: 17576681, 9536098). Algorithms developed to predict the effect of sequence changes on RNA splicing suggest that this variant may disrupt the consensus splice site. In summary, the available evidence is currently insufficient to determine the role of this variant in disease. Therefore, it has been classified as a Variant of Uncertain Significance.

Literature cited by the submitters: PubMed 17576681; PubMed 9536098.

NM_000388.4(CASR):c.1733-2A>G

Gene: CASR (calcium sensing receptor; plus strand). Cytogenetic location: 3q21.1.
Variant type: single nucleotide variant.
Coding change: c.1733-2A>G on transcript NM_000388.4 (MANE Select); the canonical splice acceptor site of the intron before coding-DNA position 1733, A replaced by G.
Molecular consequence: splice acceptor variant.
Genome position (GRCh38, 1-based): chr3:122,283,685, A>G. VCF-style: chr3-122283685-A-G. GRCh37 (hg19) VCF-style: chr3-122002532-A-G.
Other names: c.1763-2A>G (NM_001178065.2).
Identifiers: ClinVar variation 4785031 (VCV004785031.1).
Genomic context (GRCh38, chr3:122,283,685, plus strand): 5'-TACACTCACACATTTTAGTCTGTGCCACACAATAACTCACTCTTCACTGGGACATTTTAC[A>G]GATGCCAGTGCCTGTAACAAGTGCCCAGATGACTTCTGGTCCAATGAGAACCACACCTCC-3'